The following is an entry in ClinVar:

NM_007194.4(CHEK2):c.538C>A (p.Arg180Ser)

Gene: CHEK2 (checkpoint kinase 2; minus strand). Cytogenetic location: 22q12.1.
Variant type: single nucleotide variant.
Coding change: c.538C>A on transcript NM_007194.4 (MANE Select); coding-DNA position 538, C replaced by A.
Protein change: p.Arg180Ser; replaces arginine 180 with serine.
Molecular consequence: missense variant. On other transcripts: 5 prime UTR variant (2), intron variant (1).
Genome position (GRCh38, 1-based): chr22:28,725,031, G>T on the plus strand (C>A on the coding strand, the complement: CHEK2 is on the minus strand). VCF-style: chr22-28725031-G-T. GRCh37 (hg19) VCF-style: chr22-29121019-G-T.
Other names: c.667C>A, p.Arg223Ser (NM_001005735.3, NM_001438294.1); c.-240C>A (NM_001257387.3); c.-126C>A (NM_001437942.1); c.631C>A, p.Arg211Ser (NM_001438293.1, NM_001438295.1); c.538C>A, p.Arg180Ser (NM_145862.3); c.445-108C>A (NM_001349956.3); short protein forms R223S, R180S, R211S.
Identifiers: ClinVar variation 3492182 (VCV003492182.1).

ClinVar aggregate classification (germline): Uncertain significance (1 of 4 stars; one submission).

Conditions:
Hereditary cancer-predisposing syndrome. Also called: Tumor predisposition; Neoplastic Syndromes, Hereditary; Hereditary Cancer Syndrome; Hereditary neoplastic syndrome. Identifiers: Orphanet 140162, MedGen C0027672, MeSH D009386, MONDO:0015356.

Submission:

Ambry Genetics
Classification: Uncertain significance for Hereditary cancer-predisposing syndrome. Last evaluated: 2024-07-31. Review status: criteria provided, single submitter. Criteria: Ambry Variant Classification Scheme 2023. Collection method: clinical testing. Allele origin: germline.
Comment: The p.R180S variant (also known as c.538C>A), located in coding exon 3 of the CHEK2 gene, results from a C to A substitution at nucleotide position 538. The arginine at codon 180 is replaced by serine, an amino acid with dissimilar properties. This amino acid position is conserved. In addition, this alteration is predicted to be deleterious by in silico analysis. Based on the available evidence, the clinical significance of this variant remains unclear.